The following is an entry in ClinVar:

NM_022132.4(MCCC2):c.-303C>G

Gene: MCCC2 (methylcrotonyl-CoA carboxylase subunit 2; plus strand). Cytogenetic location: 5q13.2.
Variant type: single nucleotide variant.
Coding change: c.-303C>G on transcript NM_022132.4; 303 bases upstream of the start codon, C replaced by G.
Genome position (GRCh38, 1-based): chr5:71,587,123, C>G. VCF-style: chr5-71587123-C-G. GRCh37 (hg19) VCF-style: chr5-70882950-C-G.
Identifiers: ClinVar variation 684213 (VCV000684213.3), dbSNP rs13157835, ClinGen allele CA12083441.

ClinVar aggregate classification (germline): Benign (1 of 4 stars; one submission).

Allele frequency attached by ClinVar (database versions not stated): gnomAD 0.77735 and 0.78258; TOPMed 0.78162; 1000 Genomes Project 30x 0.78810; 1000 Genomes Project 0.79333.

Submission:

GeneDx
Classification: Benign. Last evaluated: 2018-06-19. Review status: criteria provided, single submitter. Criteria: GeneDx Variant Classification (06012015). Collection method: clinical testing. Allele origin: germline. Affected: yes.
Comment: This variant is considered likely benign or benign based on one or more of the following criteria: it is a conservative change, it occurs at a poorly conserved position in the protein, it is predicted to be benign by multiple in silico algorithms, and/or has population frequency not consistent with disease.